The following is an entry in ClinVar:

NM_003835.4(RGS9):c.976+3G>A

Gene: RGS9 (regulator of G protein signaling 9; plus strand). Cytogenetic location: 17q24.1.
Variant type: single nucleotide variant.
Coding change: c.976+3G>A on transcript NM_003835.4 (MANE Select); 3 bases into the intron after coding-DNA position 976, G replaced by A.
Molecular consequence: intron variant.
Genome position (GRCh38, 1-based): chr17:65,197,244, G>A. VCF-style: chr17-65197244-G-A. GRCh37 (hg19) VCF-style: chr17-63193362-G-A.
Other names: c.967+3G>A (NM_001081955.3, NM_001165933.2).
Identifiers: ClinVar variation 1406183 (VCV001406183.7), dbSNP rs772414690, ClinGen allele CA8717882.

ClinVar aggregate classification (germline): Uncertain significance. Review status: criteria provided, multiple submitters, no conflicts (2 of 4 stars). 2 submissions from 2 submitters: Uncertain significance (2). Last evaluated 2021-12-15.

Allele frequency attached by ClinVar (database versions not stated): gnomAD 0.00002; gnomAD exomes 0.00003 and 0.00006; ExAC 0.00009.
gnomAD v4.1: 47 of 1,577,700 alleles (0.003%); highest among the groups gnomAD compares: South Asian, 0.051%; 1 homozygote.

Submissions (2):

Blueprint Genetics
Classification: Uncertain significance. Last evaluated: 2021-12-15. Review status: criteria provided, single submitter. Criteria: ACMG Guidelines, 2015. Collection method: clinical testing. Allele origin: germline.

Labcorp Genetics (formerly Invitae), Labcorp
Classification: Uncertain significance. Last evaluated: 2021-08-26. Review status: criteria provided, single submitter. Criteria: Invitae Variant Classification Sherloc (09022015). Collection method: clinical testing. Allele origin: germline.
Comment: In summary, the available evidence is currently insufficient to determine the role of this variant in disease. Therefore, it has been classified as a Variant of Uncertain Significance. Variants that disrupt the consensus splice site are a relatively common cause of aberrant splicing (PMID: 17576681, 9536098). Algorithms developed to predict the effect of sequence changes on RNA splicing suggest that this variant is not likely to affect RNA splicing. This variant has not been reported in the literature in individuals affected with RGS9-related conditions. This variant is present in population databases (rs772414690, ExAC 0.07%). This sequence change falls in intron 13 of the RGS9 gene. It does not directly change the encoded amino acid sequence of the RGS9 protein. It affects a nucleotide within the consensus splice site of the intron.

Literature cited by the submitters: PubMed 17576681 (cited by Labcorp Genetics (formerly Invitae), Labcorp); PubMed 9536098 (cited by Labcorp Genetics (formerly Invitae), Labcorp).